The following is an entry in ClinVar:

NM_001605.3(AARS1):c.1883T>C (p.Leu628Ser)

Gene: AARS1 (alanyl-tRNA synthetase 1; minus strand). Cytogenetic location: 16q22.1.
Variant type: single nucleotide variant.
Coding change: c.1883T>C on transcript NM_001605.3 (MANE Select); coding-DNA position 1883, T replaced by C.
Protein change: p.Leu628Ser; replaces leucine 628 with serine.
Molecular consequence: missense variant.
Genome position (GRCh38, 1-based): chr16:70,259,089, A>G on the plus strand (T>C on the coding strand, the complement: AARS1 is on the minus strand). VCF-style: chr16-70259089-A-G. GRCh37 (hg19) VCF-style: chr16-70292992-A-G.
Other names: short protein forms L628S.
Identifiers: ClinVar variation 3359872 (VCV003359872.1).

ClinVar aggregate classification (germline): Uncertain significance (1 of 4 stars; one submission).

Submission:

GeneDx
Classification: Uncertain significance. Last evaluated: 2023-06-22. Review status: criteria provided, single submitter. Criteria: GeneDx Variant Classification Process June 2021. Collection method: clinical testing. Allele origin: germline. Affected: yes.
Comment: Not observed at significant frequency in large population cohorts (gnomAD); In silico analysis supports that this missense variant has a deleterious effect on protein structure/function; Has not been previously published as pathogenic or benign to our knowledge; This variant is associated with the following publications: (PMID: 25817015)